The following is an entry in ClinVar:

ClinVar aggregate classification (germline): Pathogenic (1 of 4 stars; one submission).

Submission:

ISCA site 4
Classification: Pathogenic. Last evaluated: 2011-08-12. Review status: criteria provided, single submitter. Criteria: Kaminsky et al. (Genet Med. 2011). Collection method: clinical testing. Allele origin: maternal. Affected: yes. Observed: 1 variant allele.
Comment: Copy number variation identified through the course of routine clinical cytogenomic testing in postnatal populations. Clinical assertions have been curated as described in Kaminsky et al. 2011.

GRCh38/hg38 6p25.3-25.1(chr6:163083-6062800)x1

Genes: BPHL (biphenyl hydrolase like; plus strand), C6orf201 (chromosome 6 open reading frame 201; plus strand), CDYL (chromodomain Y like; plus strand), CDYL-AS1 (CDYL antisense RNA 1; minus strand), DUSP22 (dual specificity phosphatase 22; plus strand) and 303 more. Cytogenetic location: 6p25.3-25.1.
Variant type: copy number loss.
Change: copy number 1 (one copy instead of two) of chr6:163,083-6,062,800 (5.90 Mb, GRCh38 coordinates, 1-based), cytogenetic band 6p25.3-25.1.
Identifiers: ClinVar variation 57077 (VCV000057077.1).